The following is an entry in ClinVar:

ClinVar aggregate classification (germline): Uncertain significance (1 of 4 stars; one submission).

Allele frequency attached by ClinVar (database versions not stated): TOPMed below 0.00001.

Submission:

Ambry Genetics
Classification: Uncertain significance. Last evaluated: 2023-01-01. Review status: criteria provided, single submitter. Criteria: Ambry Variant Classification Scheme 2023. Collection method: clinical testing. Allele origin: germline.
Comment: The p.P153R variant (also known as c.458C>G), located in coding exon 5 of the BUB1 gene, results from a C to G substitution at nucleotide position 458. The proline at codon 153 is replaced by arginine, an amino acid with dissimilar properties. This amino acid position is conserved. In addition, this alteration is predicted to be tolerated by in silico analysis. Since supporting evidence is limited at this time, the clinical significance of this alteration remains unclear.

NM_004336.5(BUB1):c.458C>G (p.Pro153Arg)

Gene: BUB1 (BUB1 mitotic checkpoint serine/threonine kinase; minus strand). Cytogenetic location: 2q13.
Variant type: single nucleotide variant.
Coding change: c.458C>G on transcript NM_004336.5 (MANE Select); coding-DNA position 458, C replaced by G.
Protein change: p.Pro153Arg; replaces proline 153 with arginine.
Molecular consequence: missense variant.
Genome position (GRCh38, 1-based): chr2:110,670,533, G>C on the plus strand (C>G on the coding strand, the complement: BUB1 is on the minus strand). VCF-style: chr2-110670533-G-C. GRCh37 (hg19) VCF-style: chr2-111428110-G-C.
Other names: c.398C>G, p.Pro133Arg (NM_001278616.2); c.458C>G, p.Pro153Arg (NM_001278617.2); short protein forms P153R, P133R.
Identifiers: ClinVar variation 2465041 (VCV002465041.2), dbSNP rs762564524, ClinGen allele CA348219511.